The following is an entry in ClinVar:

ClinVar aggregate classification (germline): Uncertain significance (1 of 4 stars; one submission).

Conditions:
Joubert syndrome 21 (JBTS21). Identifiers: MedGen C3810212, MONDO:0014288, OMIM 615636.

Allele frequency attached by ClinVar (database versions not stated): 1000 Genomes Project 30x 0.00016; gnomAD 0.00004; 1000 Genomes Project 0.00020.
gnomAD v4.1: 8 of 1,614,196 alleles (0.0005%); highest among the groups gnomAD compares: African/African-American, 0.0093%; no homozygotes.

Submission:

Labcorp Genetics (formerly Invitae), Labcorp
Classification: Uncertain significance for Joubert syndrome 21. Last evaluated: 2024-02-17. Review status: criteria provided, single submitter. Criteria: Invitae Variant Classification Sherloc (09022015). Collection method: clinical testing. Allele origin: germline.
Comment: This sequence change replaces glutamic acid, which is acidic and polar, with glutamine, which is neutral and polar, at codon 1200 of the CSPP1 protein (p.Glu1200Gln). This variant is present in population databases (rs201972175, gnomAD 0.008%). This variant has not been reported in the literature in individuals affected with CSPP1-related conditions. ClinVar contains an entry for this variant (Variation ID: 1061556). An algorithm developed to predict the effect of missense changes on protein structure and function (PolyPhen-2) suggests that this variant¬†is likely to be tolerated. In summary, the available evidence is currently insufficient to determine the role of this variant in disease. Therefore, it has been classified as a Variant of Uncertain Significance.

NM_001382391.1(CSPP1):c.3613G>C (p.Glu1205Gln)

Genes: ARFGEF1 (ARF guanine nucleotide exchange factor 1; minus strand), CSPP1 (centrosome and spindle pole associated protein 1; plus strand). Cytogenetic location: 8q13.2.
Variant type: single nucleotide variant.
Coding change: c.3613G>C on transcript NM_001382391.1 (MANE Select); coding-DNA position 3613, G replaced by C.
Protein change: p.Glu1205Gln; replaces glutamic acid 1205 with glutamine.
Molecular consequence: missense variant. On other transcripts: intron variant (2), 3 prime UTR variant (1).
Genome position (GRCh38, 1-based): chr8:67,195,525, G>C. VCF-style: chr8-67195525-G-C. GRCh37 (hg19) VCF-style: chr8-68107760-G-C.
Other names: c.5385+4871C>G (NM_001413187.1); c.2563G>C, p.Glu855Gln (NM_001291339.2); c.3532G>C, p.Glu1178Gln (NM_001363131.2); c.3418G>C, p.Glu1140Gln (NM_001363132.2); c.3337G>C, p.Glu1113Gln (NM_001363133.2); c.3679G>C, p.Glu1227Gln (NM_001364869.1); c.3499G>C, p.Glu1167Gln (NM_001364870.1); c.3445G>C, p.Glu1149Gln (NM_001438330.1); and 4 more; short protein forms E1113Q, E1140Q, E1167Q, E1178Q, E1200Q, E1205Q, E1227Q, E855Q.
Identifiers: ClinVar variation 1061556 (VCV001061556.8), dbSNP rs201972175, ClinGen allele CA4771225.